The following is an entry in ClinVar:

ClinVar aggregate classification (germline): Uncertain significance (1 of 4 stars; one submission).

Submission:

GeneDx
Classification: Uncertain significance. Last evaluated: 2024-11-14. Review status: criteria provided, single submitter. Criteria: GeneDx Variant Classification Process June 2021. Collection method: clinical testing. Allele origin: germline. Affected: yes.
Comment: Not observed at significant frequency in large population cohorts (gnomAD); In silico analysis supports that this missense variant has a deleterious effect on protein structure/function; Has not been previously published as pathogenic or benign to our knowledge; This variant is associated with the following publications: (PMID: 12938084)

NM_000138.5(FBN1):c.8404G>C (p.Gly2802Arg)

Gene: FBN1 (fibrillin 1; minus strand). Cytogenetic location: 15q21.1.
Variant type: single nucleotide variant.
Coding change: c.8404G>C on transcript NM_000138.5 (MANE Select); coding-DNA position 8404, G replaced by C.
Protein change: p.Gly2802Arg; replaces glycine 2802 with arginine.
Molecular consequence: missense variant.
Genome position (GRCh38, 1-based): chr15:48,411,202, C>G on the plus strand (G>C on the coding strand, the complement: FBN1 is on the minus strand). VCF-style: chr15-48411202-C-G. GRCh37 (hg19) VCF-style: chr15-48703399-C-G.
Other names: c.8404G>C, p.Gly2802Arg (NM_001406716.1); short protein forms G2802R.
Identifiers: ClinVar variation 3899630 (VCV003899630.1).